The following is an entry in ClinVar:

ClinVar aggregate classification (germline): Likely pathogenic. Review status: no assertion criteria provided (0 of 4 stars). 2 submissions from 2 submitters: Likely pathogenic (2). Last evaluated 2022-09-09.

Conditions:
Neurodevelopmental disorder with coarse facies and mild distal skeletal abnormalities. Also called: STOLERMAN NEURODEVELOPMENTAL SYNDROME. Identifiers: MedGen C5193134, MONDO:0032790, OMIM 618505.

Submissions (2):

Joint Genome Diagnostic Labs from Nijmegen and Maastricht, Radboudumc and MUMC+
Classification: Likely pathogenic for Neurodevelopmental disorder with coarse facies and mild distal skeletal abnormalities. Last evaluated: 2022-09-09. Review status: no assertion criteria provided. Collection method: research. Allele origin: de novo. Affected: yes.

Solve-RD Consortium
Classification: Likely pathogenic for Neurodevelopmental disorder with coarse facies and mild distal skeletal abnormalities. Last evaluated: 2022-06-01. Review status: no assertion criteria provided. Collection method: provider interpretation. Allele origin: de novo. Affected: yes.
Comment: Variant confirmed as disease-causing by referring clinical team

Variant identified during reanalysis of unsolved cases by the Solve-RD project. The Solve-RD project has received funding from the European Union’s Horizon 2020 research and innovation programme under grant agreement No 779257.

Literature cited by the submitters: PubMed 39825153 (cited by Solve-RD Consortium).

NM_001348716.2(KDM6B):c.4696C>A (p.Arg1566Ser)

Gene: KDM6B (lysine demethylase 6B; plus strand). Cytogenetic location: 17p13.1.
Variant type: single nucleotide variant.
Coding change: c.4696C>A on transcript NM_001348716.2 (MANE Select); coding-DNA position 4696, C replaced by A.
Protein change: p.Arg1566Ser; replaces arginine 1566 with serine.
Molecular consequence: missense variant.
Genome position (GRCh38, 1-based): chr17:7,853,085, C>A. VCF-style: chr17-7853085-C-A. GRCh37 (hg19) VCF-style: chr17-7756403-C-A.
Other names: c.4696C>A, p.Arg1566Ser (NM_001080424.2); short protein forms R1566S.
Identifiers: ClinVar variation 1704436 (VCV001704436.2), dbSNP rs2544536305, ClinGen allele CA397928388.